The following is an entry in ClinVar:

ClinVar aggregate classification (germline): Conflicting classifications of pathogenicity. Review status: criteria provided, conflicting classifications (1 of 4 stars). 3 submissions from 3 submitters: Uncertain significance (2); Likely benign (1). Last evaluated 2025-09-19.

Conditions:
Hereditary cancer-predisposing syndrome. Also called: Hereditary neoplastic syndrome; Hereditary Cancer Syndrome; Tumor predisposition; Neoplastic Syndromes, Hereditary. Identifiers: Orphanet 140162, MedGen C0027672, MeSH D009386, MONDO:0015356.
Neuroblastoma, susceptibility to, 3. Also called: ALK-Related Neuroblastic Tumor Susceptibility. Identifiers: Orphanet 635, MedGen C2751681, MONDO:0013083, OMIM 613014.

Allele frequency attached by ClinVar (database versions not stated): gnomAD exomes below 0.00001; TOPMed below 0.00001; ExAC 0.00001; gnomAD 0.00001.
gnomAD v4.1: 2 of 1,614,118 alleles (0.00012%); highest among the groups gnomAD compares: Non-Finnish European, 0.00017%; no homozygotes.

Submissions (3):

Labcorp Genetics (formerly Invitae), Labcorp
Classification: Uncertain significance for Neuroblastoma, susceptibility to, 3. Last evaluated: 2025-09-19. Review status: criteria provided, single submitter. Criteria: Invitae Variant Classification Sherloc (09022015). Collection method: clinical testing. Allele origin: germline.
Comment: This sequence change creates a premature translational stop signal (p.Glu576*) in the ALK gene. It is expected to result in an absent or disrupted protein product. However, the current clinical and genetic evidence is not sufficient to establish whether loss-of-function variants in ALK cause disease. This variant is present in population databases (rs750740789, gnomAD 0.0009%). This variant has not been reported in the literature in individuals affected with ALK-related conditions. ClinVar contains an entry for this variant (Variation ID: 965323). In summary, the available evidence is currently insufficient to determine the role of this variant in disease. Therefore, it has been classified as a Variant of Uncertain Significance.

Ambry Genetics
Classification: Likely benign for Hereditary cancer-predisposing syndrome. Last evaluated: 2025-02-04. Review status: criteria provided, single submitter. Criteria: Ambry Variant Classification Scheme 2023. Collection method: clinical testing. Allele origin: germline.

Fulgent Genetics
Classification: Uncertain significance for Neuroblastoma, susceptibility to, 3. Last evaluated: 2022-05-03. Review status: criteria provided, single submitter. Criteria: ACMG Guidelines, 2015. Collection method: clinical testing. Allele origin: unknown.

NM_004304.5(ALK):c.1726G>T (p.Glu576Ter)

Gene: ALK (ALK receptor tyrosine kinase; minus strand). Cytogenetic location: 2p23.2.
Variant type: single nucleotide variant.
Coding change: c.1726G>T on transcript NM_004304.5 (MANE Select); coding-DNA position 1726, G replaced by T.
Protein change: p.Glu576Ter; replaces glutamic acid 576 with a stop codon.
Molecular consequence: nonsense.
Genome position (GRCh38, 1-based): chr2:29,296,979, C>A on the plus strand (G>T on the coding strand, the complement: ALK is on the minus strand). VCF-style: chr2-29296979-C-A. GRCh37 (hg19) VCF-style: chr2-29519845-C-A.
Other names: short protein forms E576*.
Identifiers: ClinVar variation 965323 (VCV000965323.9), dbSNP rs750740789, ClinGen allele CA1594551.